The following is an entry in ClinVar:

GRCh38/hg38 16p11.2(chr16:29581462-30162533)x1

Genes: MAPK3 (mitogen-activated protein kinase 3; minus strand), MAZ (MYC associated zinc finger protein; plus strand), MIR3680-2 (microRNA 3680-2; minus strand), MVP (major vault protein; plus strand), MVP-DT (MVP divergent transcript; minus strand) and 96 more. Cytogenetic location: 16p11.2.
Variant type: copy number loss.
Change: copy number 1 (one copy instead of two) of chr16:29,581,462-30,162,533 (581.1 kb, GRCh38 coordinates, 1-based), cytogenetic band 16p11.2.
Identifiers: ClinVar variation 60382 (VCV000060382.2).

ClinVar aggregate classification (germline): Pathogenic (1 of 4 stars; one submission).

Submission:

ISCA Site 6
Classification: Pathogenic. Last evaluated: 2011-08-12. Review status: criteria provided, single submitter. Criteria: Kaminsky et al. (Genet Med. 2011). Collection method: clinical testing. Allele origin: unknown. Affected: yes. Observed: 1 variant allele.
Comment: Copy number variation identified through the course of routine clinical cytogenomic testing in postnatal populations. Clinical assertions have been curated as described in Kaminsky et al. 2011.